The following is an entry in ClinVar:

ClinVar aggregate classification (germline): Uncertain significance (1 of 4 stars; one submission).

Conditions:
TH-deficient dopa-responsive dystonia. Also called: Tyrosine Hydroxylase-Deficient Dopa-Responsive Dystonia; Segawa syndrome, autosomal recessive; DYT-TH. Identifiers: Orphanet 101150, MedGen C2673535, MONDO:0011551, OMIM 605407.

Submission:

Labcorp Genetics (formerly Invitae), Labcorp
Classification: Uncertain significance for TH-deficient dopa-responsive dystonia. Last evaluated: 2025-05-11. Review status: criteria provided, single submitter. Criteria: Invitae Variant Classification Sherloc (09022015). Collection method: clinical testing. Allele origin: germline.
Comment: This sequence change replaces histidine, which is basic and polar, with asparagine, which is neutral and polar, at codon 522 of the TH protein (p.His522Asn). This variant is not present in population databases (gnomAD no frequency). This variant has not been reported in the literature in individuals affected with TH-related conditions. An algorithm developed to predict the effect of missense changes on protein structure and function outputs the following: PolyPhen-2: "Benign". The asparagine amino acid residue is found in multiple mammalian species, which suggests that this missense change does not adversely affect protein function. In summary, the available evidence is currently insufficient to determine the role of this variant in disease. Therefore, it has been classified as a Variant of Uncertain Significance.

NM_000360.4(TH):c.1471C>A (p.His491Asn)

Gene: TH (tyrosine hydroxylase; minus strand). Cytogenetic location: 11p15.5.
Variant type: single nucleotide variant.
Coding change: c.1471C>A on transcript NM_000360.4 (MANE Select); coding-DNA position 1471, C replaced by A.
Protein change: p.His491Asn; replaces histidine 491 with asparagine.
Molecular consequence: missense variant.
Genome position (GRCh38, 1-based): chr11:2,164,256, G>T on the plus strand (C>A on the coding strand, the complement: TH is on the minus strand). VCF-style: chr11-2164256-G-T. GRCh37 (hg19) VCF-style: chr11-2185486-G-T.
Other names: c.1483C>A, p.His495Asn (NM_001440535.1); c.1201C>A, p.His401Asn (NM_001440536.1); c.1189C>A, p.His397Asn (NM_001440537.1); c.1564C>A, p.His522Asn (NM_199292.3); c.1552C>A, p.His518Asn (NM_199293.3); short protein forms H491N, H518N, H397N, H495N, H522N, H401N.
Identifiers: ClinVar variation 4699889 (VCV004699889.1).